The following is an entry in ClinVar:

NM_015459.5(ATL3):c.935A>G (p.Asn312Ser)

Genes: ATL3 (atlastin GTPase 3; minus strand), LNCROPM (lncRNA regulator of PLAAT3 mediated phospholipid metabolism; plus strand). Cytogenetic location: 11q13.1.
Variant type: single nucleotide variant.
Coding change: c.935A>G on transcript NM_015459.5 (MANE Select); coding-DNA position 935, A replaced by G.
Protein change: p.Asn312Ser; replaces asparagine 312 with serine.
Molecular consequence: missense variant.
Genome position (GRCh38, 1-based): chr11:63,636,250, T>C on the plus strand (A>G on the coding strand, the complement: ATL3 is on the minus strand). VCF-style: chr11-63636250-T-C. GRCh37 (hg19) VCF-style: chr11-63403722-T-C.
Other names: c.881A>G, p.Asn294Ser (NM_001290048.2); short protein forms N294S, N312S.
Identifiers: ClinVar variation 1056650 (VCV001056650.9), dbSNP rs765720770, ClinGen allele CA6063652.

ClinVar aggregate classification (germline): Conflicting classifications of pathogenicity. Review status: criteria provided, conflicting classifications (1 of 4 stars). 2 submissions from 2 submitters: Uncertain significance (1); Likely benign (1). Last evaluated 2024-09-21.

Conditions:
Inborn genetic diseases. Identifiers: MedGen C0950123, MeSH D030342.
Neuropathy, hereditary sensory, type 1F. Also called: HSN IF; Hereditary sensory neuropathy type IF. Identifiers: Orphanet 36386, MedGen C3810194, MONDO:0014286, OMIM 615632.

Allele frequency attached by ClinVar (database versions not stated): gnomAD exomes 0.00003 and 0.00005; ExAC 0.00005; gnomAD 0.00007; TOPMed 0.00008.
gnomAD v4.1: 51 of 1,614,156 alleles (0.0032%); highest among the groups gnomAD compares: East Asian, 0.038%; no homozygotes.

Submissions (2):

Labcorp Genetics (formerly Invitae), Labcorp
Classification: Uncertain significance for Neuropathy, hereditary sensory, type 1F. Last evaluated: 2024-09-21. Review status: criteria provided, single submitter. Criteria: Invitae Variant Classification Sherloc (09022015). Collection method: clinical testing. Allele origin: germline.
Comment: This sequence change replaces asparagine, which is neutral and polar, with serine, which is neutral and polar, at codon 312 of the ATL3 protein (p.Asn312Ser). This variant is present in population databases (rs765720770, gnomAD 0.04%), and has an allele count higher than expected for a pathogenic variant. This variant has not been reported in the literature in individuals affected with ATL3-related conditions. ClinVar contains an entry for this variant (Variation ID: 1056650). Invitae Evidence Modeling of protein sequence and biophysical properties (such as structural, functional, and spatial information, amino acid conservation, physicochemical variation, residue mobility, and thermodynamic stability) indicates that this missense variant is not expected to disrupt ATL3 protein function with a negative predictive value of 80%. In summary, the available evidence is currently insufficient to determine the role of this variant in disease. Therefore, it has been classified as a Variant of Uncertain Significance.

Ambry Genetics
Classification: Likely benign for Inborn genetic diseases. Last evaluated: 2020-03-02. Review status: criteria provided, single submitter. Criteria: Ambry Variant Classification Scheme 2023. Collection method: clinical testing. Allele origin: germline.